The following is an entry in ClinVar:

ClinVar aggregate classification (germline): Uncertain significance (1 of 4 stars; one submission).

Conditions:
Porokeratosis 3, disseminated superficial actinic type (POROK3). Also called: POROKERATOSIS 3, MULTIPLE TYPES; POROKERATOSIS 3, MIBELLI TYPE; POROKERATOSIS, DISSEMINATED SUPERFICIAL ACTINIC, 1. Identifiers: MedGen C1867981, MONDO:0008293, OMIM 175900.
Mevalonic aciduria (MEVA). Identifiers: Orphanet 29, MedGen C1959626, MONDO:0012481, OMIM 610377.
Hyperimmunoglobulin D with periodic fever (HIDS). Also called: HYPERIMMUNOGLOBULINEMIA D AND PERIODIC FEVER SYNDROME; Hyperimmunoglobulinemia D; Hyperimmunoglobulinemia D with periodic fever. Identifiers: Orphanet 343, MedGen C0398691, MONDO:0009849, OMIM 260920.

Allele frequency attached by ClinVar (database versions not stated): gnomAD exomes below 0.00001 and 0.00002.
gnomAD v4.1: 20 of 1,614,218 alleles (0.0012%); highest among the groups gnomAD compares: Non-Finnish European, 0.0017%; no homozygotes.

Submission:

Labcorp Genetics (formerly Invitae), Labcorp
Classification: Uncertain significance for Mevalonic aciduria; Hyperimmunoglobulin D with periodic fever; Porokeratosis 3, disseminated superficial actinic type. Last evaluated: 2023-06-27. Review status: criteria provided, single submitter. Criteria: Invitae Variant Classification Sherloc (09022015). Collection method: clinical testing. Allele origin: germline.
Comment: In summary, the available evidence is currently insufficient to determine the role of this variant in disease. Therefore, it has been classified as a Variant of Uncertain Significance. Advanced modeling of protein sequence and biophysical properties (such as structural, functional, and spatial information, amino acid conservation, physicochemical variation, residue mobility, and thermodynamic stability) performed at Invitae indicates that this missense variant is not expected to disrupt MVK protein function. This variant has not been reported in the literature in individuals affected with MVK-related conditions. This sequence change replaces glutamic acid, which is acidic and polar, with glutamine, which is neutral and polar, at codon 289 of the MVK protein (p.Glu289Gln). This variant is present in population databases (no rsID available, gnomAD 0.0009%). ClinVar contains an entry for this variant (Variation ID: 1513309).

NM_000431.4(MVK):c.865G>C (p.Glu289Gln)

Gene: MVK (mevalonate kinase; plus strand). Cytogenetic location: 12q24.11.
Variant type: single nucleotide variant.
Coding change: c.865G>C on transcript NM_000431.4 (MANE Select); coding-DNA position 865, G replaced by C.
Protein change: p.Glu289Gln; replaces glutamic acid 289 with glutamine.
Molecular consequence: missense variant.
Genome position (GRCh38, 1-based): chr12:109,591,337, G>C. VCF-style: chr12-109591337-G-C. GRCh37 (hg19) VCF-style: chr12-110029142-G-C.
Other names: c.865G>C, p.Glu289Gln (NM_001114185.3); c.709G>C, p.Glu237Gln (NM_001301182.2); short protein forms E237Q, E289Q.
Identifiers: ClinVar variation 1513309 (VCV001513309.8), dbSNP rs1406107674, ClinGen allele CA386649572.